The following is an entry in ClinVar:

NM_015386.3(COG4):c.1720A>T (p.Thr574Ser)

Gene: COG4 (component of oligomeric golgi complex 4; minus strand). Cytogenetic location: 16q22.1.
Variant type: single nucleotide variant.
Coding change: c.1720A>T on transcript NM_015386.3 (MANE Select); coding-DNA position 1720, A replaced by T.
Protein change: p.Thr574Ser; replaces threonine 574 with serine.
Molecular consequence: missense variant. On other transcripts: non-coding transcript variant (1).
Genome position (GRCh38, 1-based): chr16:70,483,960, T>A on the plus strand (A>T on the coding strand, the complement: COG4 is on the minus strand). VCF-style: chr16-70483960-T-A. GRCh37 (hg19) VCF-style: chr16-70517863-T-A.
Other names: c.1645A>T, p.Thr549Ser (NM_001195139.2); c.1294A>T, p.Thr432Ser (NM_001365426.1); short protein forms T549S, T574S, T432S.
Identifiers: ClinVar variation 2731987 (VCV002731987.3), dbSNP rs747661666, ClinGen allele CA283483583.

ClinVar aggregate classification (germline): Uncertain significance (1 of 4 stars; one submission).

Conditions:
COG4-congenital disorder of glycosylation. Also called: CONGENITAL DISORDER OF GLYCOSYLATION, TYPE IIj; CDG IIj; COG4-CDG. Identifiers: Orphanet 263501, MedGen C4303552, MONDO:0013281, OMIM 613489.

Allele frequency attached by ClinVar (database versions not stated): gnomAD exomes 0.00001.
gnomAD v4.1: 6 of 1,612,002 alleles (0.00037%); highest among the groups gnomAD compares: Non-Finnish European, 0.00042%; no homozygotes.

Submission:

Labcorp Genetics (formerly Invitae), Labcorp
Classification: Uncertain significance for COG4-congenital disorder of glycosylation. Last evaluated: 2023-05-15. Review status: criteria provided, single submitter. Criteria: Invitae Variant Classification Sherloc (09022015). Collection method: clinical testing. Allele origin: germline.
Comment: In summary, the available evidence is currently insufficient to determine the role of this variant in disease. Therefore, it has been classified as a Variant of Uncertain Significance. Advanced modeling of protein sequence and biophysical properties (such as structural, functional, and spatial information, amino acid conservation, physicochemical variation, residue mobility, and thermodynamic stability) performed at Invitae indicates that this missense variant is not expected to disrupt COG4 protein function. This variant has not been reported in the literature in individuals affected with COG4-related conditions. This variant is present in population databases (rs747661666, gnomAD 0.002%). This sequence change replaces threonine, which is neutral and polar, with serine, which is neutral and polar, at codon 574 of the COG4 protein (p.Thr574Ser).